The following is an entry in ClinVar:

NM_018417.6(ADCY10):c.2903G>A (p.Arg968Gln)

Gene: ADCY10 (adenylate cyclase 10; minus strand). Cytogenetic location: 1q24.2.
Variant type: single nucleotide variant.
Coding change: c.2903G>A on transcript NM_018417.6 (MANE Select); coding-DNA position 2903, G replaced by A.
Protein change: p.Arg968Gln; replaces arginine 968 with glutamine.
Molecular consequence: missense variant.
Genome position (GRCh38, 1-based): chr1:167,845,667, C>T on the plus strand (G>A on the coding strand, the complement: ADCY10 is on the minus strand). VCF-style: chr1-167845667-C-T. GRCh37 (hg19) VCF-style: chr1-167814905-C-T.
Other names: c.2444G>A, p.Arg815Gln (NM_001167749.3); c.2627G>A, p.Arg876Gln (NM_001297772.2); short protein forms R968Q, R815Q, R876Q.
Identifiers: ClinVar variation 2062589 (VCV002062589.6), dbSNP rs140892164, ClinGen allele CA1227531.
Genomic context (GRCh38, chr1:167,845,667, plus strand): 5'-TCTAAAGCGTTGAGCCGAATATTCACTGTGAAGTGATGATAGGGAATGAAGTCCCTGCCT[C>T]GGCAGTGGTCACATCTGTGGGCATCTTCTTCTAAAAAGCGGGCACATTTCAAGTGCATGG-3'
Protein context (NP_060887.2, residues 958-978): EEDAHRCDHC[Arg968Gln]GRDFIPYHHF

ClinVar aggregate classification (germline): Likely benign. Review status: criteria provided, single submitter (1 of 4 stars). 2 submissions from 2 submitters: Likely benign (1). 1 of the submissions does not count toward it. Last evaluated 2025-12-30.

Conditions:
ADCY10-related disorder. Also called: ADCY10-related condition.

Allele frequency attached by ClinVar (database versions not stated): 1000 Genomes Project 0.00040; 1000 Genomes Project 30x 0.00062; ESP Exome Variant Server 0.00123.
gnomAD v4.1: 321 of 1,614,242 alleles (0.02%); highest among the groups gnomAD compares: African/African-American, 0.31%; 1 homozygote.

Submissions (2):

Labcorp Genetics (formerly Invitae), Labcorp
Classification: Likely benign. Last evaluated: 2025-12-30. Review status: criteria provided, single submitter. Criteria: Invitae Variant Classification Sherloc (09022015). Collection method: clinical testing. Allele origin: germline.

PreventionGenetics, part of Exact Sciences
Classification: Likely benign for ADCY10-related condition. Last evaluated: 2024-04-11. Review status: no assertion criteria provided. Collection method: clinical testing. Allele origin: germline. Not counted in ClinVar's aggregate classification.
Comment: This variant is classified as likely benign based on ACMG/AMP sequence variant interpretation guidelines (Richards et al. 2015 PMID: 25741868, with internal and published modifications).